The following is an entry in ClinVar:

NM_004329.3(BMPR1A):c.485T>G (p.Val162Gly)

Gene: BMPR1A (bone morphogenetic protein receptor type 1A; plus strand). Cytogenetic location: 10q23.2.
Variant type: single nucleotide variant.
Coding change: c.485T>G on transcript NM_004329.3 (MANE Select); coding-DNA position 485, T replaced by G.
Protein change: p.Val162Gly; replaces valine 162 with glycine.
Molecular consequence: missense variant.
Genome position (GRCh38, 1-based): chr10:86,900,081, T>G. VCF-style: chr10-86900081-T-G. GRCh37 (hg19) VCF-style: chr10-88659838-T-G.
Other names: short protein forms V162G.
Identifiers: ClinVar variation 825237 (VCV000825237.14), dbSNP rs1589768250, ClinGen allele CA377450456.

ClinVar aggregate classification (germline): Uncertain significance. Review status: criteria provided, multiple submitters, no conflicts (2 of 4 stars). 4 submissions from 4 submitters: Uncertain significance (4). Last evaluated 2024-12-18.

Conditions:
Hereditary cancer-predisposing syndrome. Also called: Neoplastic Syndromes, Hereditary; Tumor predisposition; Hereditary Cancer Syndrome; Hereditary neoplastic syndrome. Identifiers: Orphanet 140162, MedGen C0027672, MeSH D009386, MONDO:0015356.
Juvenile polyposis syndrome (JPS). Identifiers: Orphanet 2929, MedGen C0345893, MONDO:0017380, OMIM 174900.

Submissions (4):

Molecular Diagnostics Laboratory, Catalan Institute of Oncology
Classification: Uncertain significance for Hereditary cancer-predisposing syndrome. Last evaluated: 2024-12-18. Review status: criteria provided, single submitter. Criteria: ACMG Guidelines, 2015. Collection method: clinical testing. Allele origin: germline.
Comment: PM2_Supporting c.485T>G, located in exon 7 of the BMPR1A gene, is predicted to result in the substitution of Val by Gly at codon 162, p.(Val162Gly). It is not present in the population database gnomAD v2.1.1, non-cancer dataset (PM2_supporting). The SpliceAI algorithm predicts no significant impact on splicing, but the REVEL meta-predictor score (0.602) for this variant is indeterminate regarding the effect that it may have on protein function according Pejaver 2022 thresholds (PMID: 36413997). To our knowledge, neither relevant clinical data nor well-established functional studies have been reported for this variant, and there are no reports of pathogenic missense variants in the same codon. It has only been reported twice in ClinVar, as an uncertain significance variant. Based on currently available information, the variant c.485T>G should be considered an uncertain significance variant.

Blueprint Genetics
Classification: Uncertain significance. Last evaluated: 2024-11-07. Review status: criteria provided, single submitter. Criteria: ACMG Guidelines, 2015. Collection method: clinical testing. Allele origin: germline.

Labcorp Genetics (formerly Invitae), Labcorp
Classification: Uncertain significance for Juvenile polyposis syndrome. Last evaluated: 2024-10-16. Review status: criteria provided, single submitter. Criteria: Invitae Variant Classification Sherloc (09022015). Collection method: clinical testing. Allele origin: germline.
Comment: This sequence change replaces valine, which is neutral and non-polar, with glycine, which is neutral and non-polar, at codon 162 of the BMPR1A protein (p.Val162Gly). This variant is not present in population databases (gnomAD no frequency). This variant has not been reported in the literature in individuals affected with BMPR1A-related conditions. ClinVar contains an entry for this variant (Variation ID: 825237). Invitae Evidence Modeling of protein sequence and biophysical properties (such as structural, functional, and spatial information, amino acid conservation, physicochemical variation, residue mobility, and thermodynamic stability) indicates that this missense variant is not expected to disrupt BMPR1A protein function with a negative predictive value of 80%. In summary, the available evidence is currently insufficient to determine the role of this variant in disease. Therefore, it has been classified as a Variant of Uncertain Significance.

Ambry Genetics
Classification: Uncertain significance for Hereditary cancer-predisposing syndrome. Last evaluated: 2024-03-06. Review status: criteria provided, single submitter. Criteria: Ambry Variant Classification Scheme 2023. Collection method: clinical testing. Allele origin: germline.
Comment: The p.V162G variant (also known as c.485T>G), located in coding exon 5 of the BMPR1A gene, results from a T to G substitution at nucleotide position 485. The valine at codon 162 is replaced by glycine, an amino acid with dissimilar properties. This amino acid position is not well conserved in available vertebrate species. In addition, the in silico prediction for this alteration is inconclusive. Since supporting evidence is limited at this time, the clinical significance of this alteration remains unclear.